The following is an entry in ClinVar:

NM_000384.3(APOB):c.12947A>G (p.Gln4316Arg)

Gene: APOB (apolipoprotein B; minus strand). Cytogenetic location: 2p24.1.
Variant type: single nucleotide variant.
Coding change: c.12947A>G on transcript NM_000384.3 (MANE Select); coding-DNA position 12947, A replaced by G.
Protein change: p.Gln4316Arg; replaces glutamine 4316 with arginine.
Molecular consequence: missense variant.
Genome position (GRCh38, 1-based): chr2:21,002,475, T>C on the plus strand (A>G on the coding strand, the complement: APOB is on the minus strand). VCF-style: chr2-21002475-T-C. GRCh37 (hg19) VCF-style: chr2-21225347-T-C.
Other names: short protein forms Q4316R.
Identifiers: ClinVar variation 1769174 (VCV001769174.2), dbSNP rs2465349196, ClinGen allele CA345970121.

ClinVar aggregate classification (germline): Uncertain significance (1 of 4 stars; one submission).

Conditions:
Cardiovascular phenotype. Identifiers: MedGen CN230736.

Allele frequency attached by ClinVar (database versions not stated): gnomAD exomes below 0.00001.
gnomAD v4.1: 1 of 1,609,260 alleles (0.000062%); highest among the groups gnomAD compares: Non-Finnish European, 0.000085%; no homozygotes.

Submission:

Ambry Genetics
Classification: Uncertain significance for Cardiovascular phenotype. Last evaluated: 2022-01-26. Review status: criteria provided, single submitter. Criteria: Ambry Variant Classification Scheme 2023. Collection method: clinical testing. Allele origin: germline.
Comment: The p.Q4316R variant (also known as c.12947A>G), located in coding exon 29 of the APOB gene, results from an A to G substitution at nucleotide position 12947. The glutamine at codon 4316 is replaced by arginine, an amino acid with highly similar properties. This amino acid position is conserved. In addition, this alteration is predicted to be tolerated by in silico analysis. Since supporting evidence is limited at this time, the clinical significance of this alteration remains unclear.